The following is an entry in ClinVar:

ClinVar aggregate classification (germline): Uncertain significance (1 of 4 stars; one submission).

Conditions:
XYLT2-related disorder. Also called: XYLT2-related condition.

gnomAD v4.1: 40 of 1,544,970 alleles (0.0026%); highest among the groups gnomAD compares: Non-Finnish European, 0.0034%; no homozygotes.

Submission:

PreventionGenetics, part of Exact Sciences
Classification: Uncertain significance for XYLT2-related condition. Last evaluated: 2024-12-10. Review status: criteria provided, single submitter. Criteria: ACMG Guidelines, 2015. Collection method: clinical testing. Allele origin: germline.
Comment: The XYLT2 c.952C>G variant is predicted to result in the amino acid substitution p.Pro318Ala. To our knowledge, this variant has not been reported in the literature. This variant is reported in 0.0089% of alleles in individuals of European (Non-Finnish) descent in gnomAD. At this time, the clinical significance of this variant is uncertain due to the absence of conclusive functional and genetic evidence.

NM_022167.4(XYLT2):c.952C>G (p.Pro318Ala)

Gene: XYLT2 (xylosyltransferase 2; plus strand). Cytogenetic location: 17q21.33.
Variant type: single nucleotide variant.
Coding change: c.952C>G on transcript NM_022167.4 (MANE Select); coding-DNA position 952, C replaced by G.
Protein change: p.Pro318Ala; replaces proline 318 with alanine.
Molecular consequence: missense variant.
Genome position (GRCh38, 1-based): chr17:50,355,001, C>G. VCF-style: chr17-50355001-C-G. GRCh37 (hg19) VCF-style: chr17-48432362-C-G.
Other names: short protein forms P318A.
Identifiers: ClinVar variation 4986242 (VCV004986242.1).